The following is an entry in ClinVar:

NM_001048174.2(MUTYH):c.1177C>A (p.Leu393Met)

Gene: MUTYH (mutY DNA glycosylase; minus strand). Cytogenetic location: 1p34.1.
Variant type: single nucleotide variant.
Coding change: c.1177C>A on transcript NM_001048174.2 (MANE Select); coding-DNA position 1177, C replaced by A.
Protein change: p.Leu393Met; replaces leucine 393 with methionine.
Molecular consequence: missense variant. On other transcripts: non-coding transcript variant (7).
Genome position (GRCh38, 1-based): chr1:45,331,482, G>T on the plus strand (C>A on the coding strand, the complement: MUTYH is on the minus strand). VCF-style: chr1-45331482-G-T. GRCh37 (hg19) VCF-style: chr1-45797154-G-T.
Other names: c.1177C>A, p.Leu393Met (NM_001293195.2, NM_001407070.1, NM_001407072.1 and 6 more transcripts); c.901C>A, p.Leu301Met (NM_001293196.2, NM_001407091.1, NM_001293192.2); c.832C>A, p.Leu278Met (NM_001350650.2, NM_001350651.2, NM_001407082.1); c.1210C>A, p.Leu404Met (NM_001407069.1, NM_001293191.2, NM_001407077.1); c.1180C>A, p.Leu394Met (NM_001407071.1, NM_001048172.2, NM_001407078.1 and 1 more transcripts); c.1198C>A, p.Leu400Met (NM_001407087.1); c.1252C>A, p.Leu418Met (NM_012222.3); c.1261C>A, p.Leu421Met (NM_001128425.2); and 5 more; short protein forms L301M, L365M, L379M, L393M, L418M, L421M, L380M, L404M.
Identifiers: ClinVar variation 4113138 (VCV004113138.1).

ClinVar aggregate classification (germline): Uncertain significance (1 of 4 stars; one submission).

Conditions:
Hereditary cancer-predisposing syndrome. Also called: Tumor predisposition; Neoplastic Syndromes, Hereditary; Hereditary neoplastic syndrome; Hereditary Cancer Syndrome. Identifiers: Orphanet 140162, MedGen C0027672, MeSH D009386, MONDO:0015356.

Submission:

Ambry Genetics
Classification: Uncertain significance for Hereditary cancer-predisposing syndrome. Last evaluated: 2025-08-27. Review status: criteria provided, single submitter. Criteria: Ambry Variant Classification Scheme 2023. Collection method: clinical testing. Allele origin: germline.
Comment: The p.L421M variant (also known as c.1261C>A), located in coding exon 13 of the MUTYH gene, results from a C to A substitution at nucleotide position 1261. The leucine at codon 421 is replaced by methionine, an amino acid with highly similar properties. This amino acid position is conserved. In addition, this alteration is predicted to be tolerated by in silico analysis. Based on the available evidence, the clinical significance of this variant remains unclear.